The following is an entry in ClinVar:

NM_005918.4(MDH2):c.296C>T (p.Pro99Leu)

Gene: MDH2 (malate dehydrogenase 2; plus strand). Cytogenetic location: 7q11.23.
Variant type: single nucleotide variant.
Coding change: c.296C>T on transcript NM_005918.4 (MANE Select); coding-DNA position 296, C replaced by T.
Protein change: p.Pro99Leu; replaces proline 99 with leucine.
Molecular consequence: missense variant. On other transcripts: 5 prime UTR variant (1).
Genome position (GRCh38, 1-based): chr7:76,057,470, C>T. VCF-style: chr7-76057470-C-T. GRCh37 (hg19) VCF-style: chr7-75686788-C-T.
Other names: c.296C>T, p.Pro99Leu (NM_001282403.2); c.-26C>T (NM_001282404.2); short protein forms P99L.
Identifiers: ClinVar variation 1798260 (VCV001798260.5), dbSNP rs782598079, ClinGen allele CA4305481.

ClinVar aggregate classification (germline): Uncertain significance. Review status: criteria provided, multiple submitters, no conflicts (2 of 4 stars). 2 submissions from 2 submitters: Uncertain significance (2). Last evaluated 2025-01-23.

Conditions:
Inborn genetic diseases. Identifiers: MedGen C0950123, MeSH D030342.

Allele frequency attached by ClinVar (database versions not stated): TOPMed below 0.00001; gnomAD exomes 0.00001; ExAC 0.00002; gnomAD 0.00002.
gnomAD v4.1: 18 of 1,613,990 alleles (0.0011%); highest among the groups gnomAD compares: East Asian, 0.0022%; no homozygotes.

Submissions (2):

Labcorp Genetics (formerly Invitae), Labcorp
Classification: Uncertain significance. Last evaluated: 2025-01-23. Review status: criteria provided, single submitter. Criteria: Invitae Variant Classification Sherloc (09022015). Collection method: clinical testing. Allele origin: germline.
Comment: This sequence change replaces proline, which is neutral and non-polar, with leucine, which is neutral and non-polar, at codon 99 of the MDH2 protein (p.Pro99Leu). This variant is present in population databases (rs782598079, gnomAD 0.006%). This variant has not been reported in the literature in individuals affected with MDH2-related conditions. ClinVar contains an entry for this variant (Variation ID: 1798260). Invitae Evidence Modeling of protein sequence and biophysical properties (such as structural, functional, and spatial information, amino acid conservation, physicochemical variation, residue mobility, and thermodynamic stability) has been performed for this missense variant. However, the output from this modeling did not meet the statistical confidence thresholds required to predict the impact of this variant on MDH2 protein function. In summary, the available evidence is currently insufficient to determine the role of this variant in disease. Therefore, it has been classified as a Variant of Uncertain Significance.

Ambry Genetics
Classification: Uncertain significance for Inborn genetic diseases. Last evaluated: 2024-04-13. Review status: criteria provided, single submitter. Criteria: Ambry Variant Classification Scheme 2023. Collection method: clinical testing. Allele origin: germline.
Comment: The p.P99L variant (also known as c.296C>T), located in coding exon 3 of the MDH2 gene, results from a C to T substitution at nucleotide position 296. The proline at codon 99 is replaced by leucine, an amino acid with similar properties. This amino acid position is conserved. In addition, the in silico prediction for this alteration is inconclusive. Since supporting evidence is limited at this time, the clinical significance of this alteration remains unclear.